The following is an entry in ClinVar:

ClinVar aggregate classification (germline): Conflicting classifications of pathogenicity. Review status: criteria provided, conflicting classifications (1 of 4 stars). 3 submissions from 3 submitters: Uncertain significance (2); Likely benign (1). Last evaluated 2026-01-27.

Conditions:
Inborn genetic diseases. Identifiers: MedGen C0950123, MeSH D030342.
Curry-Hall syndrome (WAD). Also called: WEYERS ACRODENTAL DYSOSTOSIS. Identifiers: Orphanet 952, MedGen C0457013, MONDO:0008673, OMIM 193530.
Ellis-van Creveld syndrome (EVC). Also called: MESOECTODERMAL DYSPLASIA; Chondroectodermal dysplasia. Identifiers: Orphanet 289, MedGen C0013903, MONDO:0009162, OMIM 225500.
EVC-related disorder. Also called: EVC-related condition; EVC-related disorders.

Allele frequency attached by ClinVar (database versions not stated): gnomAD exomes 0.00001; ExAC 0.00007; gnomAD 0.00014; TOPMed 0.00016; ESP Exome Variant Server 0.00023; 1000 Genomes Project 30x 0.00047; 1000 Genomes Project 0.00060.
gnomAD v4.1: 38 of 1,614,208 alleles (0.0024%); highest among the groups gnomAD compares: African/African-American, 0.043%; no homozygotes.

Submissions (3):

Labcorp Genetics (formerly Invitae), Labcorp
Classification: Likely benign for Curry-Hall syndrome; Ellis-van Creveld syndrome. Last evaluated: 2026-01-27. Review status: criteria provided, single submitter. Criteria: Invitae Variant Classification Sherloc (09022015). Collection method: clinical testing. Allele origin: germline.

Ambry Genetics
Classification: Uncertain significance for Inborn genetic diseases. Last evaluated: 2025-08-07. Review status: criteria provided, single submitter. Criteria: Ambry Variant Classification Scheme 2023. Collection method: clinical testing. Allele origin: germline.

PreventionGenetics, part of Exact Sciences
Classification: Uncertain significance for EVC-related condition. Last evaluated: 2023-05-11. Review status: criteria provided, single submitter. Criteria: ACMG Guidelines, 2015. Collection method: clinical testing. Allele origin: germline.
Comment: The EVC c.1659G>C variant is predicted to result in the amino acid substitution p.Glu553Asp. To our knowledge, this variant has not been reported in the literature. This variant is reported in 0.048% of alleles in individuals of African descent in gnomAD. At this time, the clinical significance of this variant is uncertain due to the absence of conclusive functional and genetic evidence.

NM_153717.3(EVC):c.1659G>C (p.Glu553Asp)

Gene: EVC (EvC ciliary complex subunit 1; plus strand). Cytogenetic location: 4p16.2.
Variant type: single nucleotide variant.
Coding change: c.1659G>C on transcript NM_153717.3 (MANE Select); coding-DNA position 1659, G replaced by C.
Protein change: p.Glu553Asp; replaces glutamic acid 553 with aspartic acid.
Molecular consequence: missense variant.
Genome position (GRCh38, 1-based): chr4:5,783,647, G>C. VCF-style: chr4-5783647-G-C. GRCh37 (hg19) VCF-style: chr4-5785374-G-C.
Other names: c.1659G>C (NM_153717.2); c.1659G>C, p.Glu553Asp (NM_001306090.2); short protein forms E553D.
Identifiers: ClinVar variation 2044477 (VCV002044477.5), dbSNP rs150425919, ClinGen allele CA2836216.